The following is an entry in ClinVar:

NM_005629.4(SLC6A8):c.1646A>C (p.Asn549Thr)

Gene: SLC6A8 (solute carrier family 6 member 8; plus strand). Cytogenetic location: Xq28.
Variant type: single nucleotide variant.
Coding change: c.1646A>C on transcript NM_005629.4 (MANE Select); coding-DNA position 1646, A replaced by C.
Protein change: p.Asn549Thr; replaces asparagine 549 with threonine.
Molecular consequence: missense variant.
Genome position (GRCh38, 1-based): chrX:153,694,768, A>C. VCF-style: chrX-153694768-A-C. GRCh37 (hg19) VCF-style: chrX-152960223-A-C.
Other names: NM_005629.4(SLC6A8):c.1646A>C; p.Asn549Thr; c.1616A>C, p.Asn539Thr (NM_001142805.2); c.1301A>C, p.Asn434Thr (NM_001142806.1); short protein forms N434T, N539T, N549T.
Identifiers: ClinVar variation 1012671 (VCV001012671.51), dbSNP rs782790088, ClinGen allele CA10549610.
Genomic context (GRCh38, chrX:153,694,768, plus strand): 5'-CTGGTCCGTAGGGCATCTTCATCTTCAACGTTGTGTACTACGAGCCGCTGGTCTACAACA[A>C]CACCTACGTGTACCCGTGGTGGGGTGAGGCCATGGGCTGGGCCTTCGCCCTGTCCTCCAT-3'
Protein context (NP_005620.1, residues 539-559): VVYYEPLVYN[Asn549Thr]TYVYPWWGEA

ClinVar aggregate classification (germline): Likely benign. Review status: reviewed by expert panel (3 of 4 stars). 6 submissions from 6 submitters: Likely benign (1). 5 of the submissions do not count toward it. Last evaluated 2023-02-23.

Conditions:
Creatine deficiency syndrome 1.
Creatine transporter deficiency (CCDS1). Also called: CEREBRAL CREATINE DEFICIENCY SYNDROME 1; SLC6A8-Related Creatine Transporter Deficiency; Creatine Transporter (CRTR) Deficiency; Mental retardation , X-linked with seizures, short stature and midface hypoplasia; Mental retardation , X-linked, with creatine transport deficiency; X-linked creatine transporter deficiency. Identifiers: Orphanet 52503, MedGen C1845862, MONDO:0010305, OMIM 300352.

Allele frequency attached by ClinVar (database versions not stated): gnomAD 0.00005 and 0.00006; gnomAD exomes 0.00006; ExAC 0.00007; TOPMed 0.00007; 1000 Genomes Project 30x 0.00042; 1000 Genomes Project 0.00053.
gnomAD v4.1: 72 of 1,209,187 alleles (0.006%); highest among the groups gnomAD compares: South Asian, 0.021%; no homozygotes.

Submissions (6):

ClinGen Cerebral Creatine Deficiency Syndromes Variant Curation Expert Panel, ClinGen
Classification: Likely benign for Creatine transporter deficiency. Last evaluated: 2023-02-23. Review status: reviewed by expert panel. Criteria: ClinGen_CCDS_ACMG_Specifications_SLC6A8_v1.1. Collection method: curation. Allele origin: germline. Inheritance: X-linked inheritance.
Comment: The NM_005629.4(SLC6A8):c.1646A>C (p.Asn549Thr)variant in SLC6A8 is a missense variant predicted to cause substitution of Threonine for Asparagine at amino acid 549 (p.Asn549Thr). There is a ClinVar entry for this variant (Variation ID:1012671, conflicting interpretations) with classifications as Variant of Uncertain Significance (n=1), Likely Benign (n=2), and Benign (n=1). This variant is found with an allele frequency of 0.00006027 in gnomADv2.1.1 with 3 hemizygotes present in that population database. Given the presence of >2 hemizygotes in gnomADv2.1.1, BS2 is applicable for this variant. The computational predictor REVEL gives a score of 0.182 which is below the threshold of 0.20, suggesting a benign effect of this variant on protein function, therefore BP4 criteria is applicable. At the time of this curation, this variant has not been reported in individuals with suspected Creatine Transporter Deficiency in the literature. In summary, this variant meets the criteria to be classified as Likely Benign for Creatine Transporter Deficiency based on the ACMG/AMP criteria applied, as specified by the ClinGen Cerebral Creatine Deficiency Syndromes Variant Curation Expert Panel (Specifications Version 1.1.0): BS2, BP4 (Classification approved by the ClinGen CCDS VCEP on February 23, 2023)

CeGaT Center for Human Genetics Tuebingen
Classification: Likely benign. Last evaluated: 2026-03-01. Review status: criteria provided, single submitter. Criteria: CeGaT Center For Human Genetics Tuebingen Variant Classification Criteria Version 2. Collection method: clinical testing. Allele origin: germline. Affected: yes. Observed: 3 variant alleles. Not counted in ClinVar's aggregate classification.
Comment: SLC6A8: BP4, BS2

Labcorp Genetics (formerly Invitae), Labcorp
Classification: Benign for Creatine transporter deficiency. Last evaluated: 2026-01-19. Review status: criteria provided, single submitter. Criteria: Invitae Variant Classification Sherloc (09022015). Collection method: clinical testing. Allele origin: germline. Not counted in ClinVar's aggregate classification.

Blueprint Genetics
Classification: Likely benign. Last evaluated: 2023-07-18. Review status: criteria provided, single submitter. Criteria: ACMG Guidelines, 2015. Collection method: clinical testing. Allele origin: germline. Not counted in ClinVar's aggregate classification.

Institute for Clinical Genetics, University Hospital TU Dresden, University Hospital TU Dresden
Classification: Uncertain significance. Last evaluated: 2021-11-03. Review status: criteria provided, single submitter. Criteria: ACMG Guidelines, 2015. Collection method: clinical testing. Allele origin: germline. Not counted in ClinVar's aggregate classification.

Natera, Inc.
Classification: Likely benign for Creatine deficiency syndrome 1. Last evaluated: 2021-10-15. Review status: no assertion criteria provided. Collection method: clinical testing. Allele origin: germline. Not counted in ClinVar's aggregate classification.